The following is an entry in ClinVar:

ClinVar aggregate classification (germline): Uncertain significance (1 of 4 stars; one submission).

Conditions:
Brachyolmia-amelogenesis imperfecta syndrome. Also called: PLATYSPONDYLY WITH AMELOGENESIS IMPERFECTA; Tooth agenesis, selective, 6; Dental anomalies and short stature. Identifiers: Orphanet 2899, MedGen C1832594, MONDO:0011018, OMIM 601216. Disease mechanism: loss of function.

Submission:

Labcorp Genetics (formerly Invitae), Labcorp
Classification: Uncertain significance for Brachyolmia-amelogenesis imperfecta syndrome. Last evaluated: 2025-12-01. Review status: criteria provided, single submitter. Criteria: Invitae Variant Classification Sherloc (09022015). Collection method: clinical testing. Allele origin: germline.
Comment: This variant, c.2948_2953del, results in the deletion of 2 amino acid(s) of the LTBP3 protein (p.Ile983_Val984del), but otherwise preserves the integrity of the reading frame. This variant is not present in population databases (gnomAD no frequency). This variant has not been reported in the literature in individuals affected with LTBP3-related conditions. Experimental studies and prediction algorithms are not available or were not evaluated, and the functional significance of this variant is currently unknown. In summary, the available evidence is currently insufficient to determine the role of this variant in disease. Therefore, it has been classified as a Variant of Uncertain Significance.

NM_001130144.3(LTBP3):c.2948_2953del (p.Ile983_Val984del)

Genes: LTBP3 (latent transforming growth factor beta binding protein 3; minus strand), LOC121832793 (Sharpr-MPRA regulatory region 4001; plus strand). Cytogenetic location: 11q13.1.
Variant type: Deletion.
Coding change: c.2948_2953del on transcript NM_001130144.3 (MANE Select); coding-DNA positions 2948 to 2953, 6 bases deleted (TCGTCA; older notation c.2948_2953delTCGTCA).
Protein change: p.Ile983_Val984del.
Molecular consequence: inframe deletion.
Genome position (GRCh38, 1-based): chr11:65,540,895-65,540,900, TGACGA deleted on the plus strand (TCGTCA on the coding strand, the reverse complement: LTBP3 is on the minus strand); deleting any 6 consecutive bases within chr11:65,540,895-65,540,902 gives the same sequence; the c. name uses the placement nearest the transcript's 3' end. VCF-style (leftmost placement, unchanged base first): chr11-65540894-TTGACGA-T. GRCh37 (hg19) VCF-style: chr11-65308365-TTGACGA-T.
Other names: c.2597_2602del, p.Ile866_Val867del (NM_001164266.1); c.2948_2953del, p.Ile983_Val984del (NM_021070.4).
Identifiers: ClinVar variation 4732337 (VCV004732337.1).